The following is an entry in ClinVar:

NM_022834.5(VWA1):c.-54CGAG[5]

Gene: VWA1 (von Willebrand factor A domain containing 1; plus strand). Cytogenetic location: 1p36.33.
Variant type: Microsatellite.
Coding change: c.-54CGAG[5] on transcript NM_022834.5 (MANE Select); five copies in a row of the 4-base unit CGAG starting at c.-54; the reference has six copies in a row; one copy, 4 bases deleted.
Molecular consequence: 5 prime UTR variant.
Genome position (GRCh38, 1-based): chr1:1,435,715-1,435,718, CGAG deleted; deleting any 4 consecutive bases within chr1:1,435,695-1,435,718 gives the same sequence; the position shown is the placement nearest the transcript's 3' end. VCF-style (leftmost placement, unchanged base first): chr1-1435694-CCGAG-C. GRCh37 (hg19) VCF-style: chr1-1371074-CCGAG-C.
Other names: c.-34_-31del (NM_199121.3); c.-54CGAG[5] (NM_199121.3).
Identifiers: ClinVar variation 4687868 (VCV004687868.1).
Genomic context (GRCh38, chr1:1,435,694, plus strand): 5'-GGGGAGGGGCCTCCCGGGGGCGGGGCCGGCCTGGTCCGCGCGGTGACGCGCCCTGCAGCC[CCGAG>C]CGAGCGAGCGAGCGAGCGAGTTGCCGAGCGCGCCCCGTCCCTCGCGCGCGATGCTCCCCT-3'

ClinVar aggregate classification (germline): Pathogenic (1 of 4 stars; one submission).

Conditions:
Zygodactyly type 1. Identifiers: Orphanet 295187, Orphanet 93402, MedGen C1853294, MONDO:0012351, OMIM 609815.

Submission:

Dr. Orhan Ocalgiray Molecular Biology-Biotechnology and Genetics Research Centre (MOBGAM), Istanbul Technical University
Classification: Pathogenic for Zygodactyly type 1. Review status: criteria provided, single submitter. Criteria: ACMG Guidelines, 2015. Collection method: research. Allele origin: unknown. Inheritance: Autosomal dominant inheritance. Affected: yes.
Comment: The rare variant is a deletion of one of six tetramers in 5UTR, in a region harboring promoter like motifs so that it is assessed as causative.